The following is an entry in ClinVar:

ClinVar aggregate classification (germline): Uncertain significance (1 of 4 stars; one submission).

Submission:

Women's Health and Genetics/Laboratory Corporation of America, LabCorp
Classification: Uncertain significance. Last evaluated: 2023-09-11. Review status: criteria provided, single submitter. Criteria: LabCorp Variant Classification Summary - May 2015. Collection method: clinical testing. Allele origin: germline.
Comment: Variant summary: ARID5A c.241_242delCA (p.His81SerfsX7) results in a premature termination codon, predicted to cause a truncation of the encoded protein or absence of the protein due to nonsense mediated decay, however the molecular mechanism of disease attributed to ARID5A is currently unknown. The variant was absent in 250786 control chromosomes (gnomAD). The available data on variant occurrences in the general population are insufficient to allow any conclusion about variant significance. To our knowledge, no occurrence of c.241_242delCA in individuals affected with ARID5A-Related Disorders and no experimental evidence demonstrating its impact on protein function have been reported. No submitters have cited clinical-significance assessments for this variant to ClinVar after 2014. Based on the evidence outlined above, the variant was classified as uncertain significance.

NM_212481.3(ARID5A):c.241_242del (p.His81fs)

Gene: ARID5A (AT-rich interaction domain 5A; plus strand). Cytogenetic location: 2q11.2.
Variant type: Deletion.
Coding change: c.241_242del on transcript NM_212481.3 (MANE Select); coding-DNA positions 241 to 242, 2 bases deleted (CA; older notation c.241_242delCA).
Protein change: p.His81fs; shifts the reading frame from histidine 81.
Molecular consequence: frameshift variant. On other transcripts: 5 prime UTR variant (1), intron variant (2).
Genome position (GRCh38, 1-based): chr2:96,549,441-96,549,442, CA deleted. VCF-style (leftmost placement, unchanged base first): chr2-96549440-CCA-C. GRCh37 (hg19) VCF-style: chr2-97215177-CCA-C.
Other names: c.241_242del, p.His81fs (NM_001319085.2, NM_001319087.2); c.37_38del, p.His13fs (NM_001319092.1); c.-221_-220del (NM_001319094.2); c.-233-312_-233-311del (NM_001319096.2, NM_001319093.2); short protein forms H13fs, H81fs.
Identifiers: ClinVar variation 2627194 (VCV002627194.1), dbSNP rs2467835844, ClinGen allele CA2582342413.